The following is an entry in ClinVar:

ClinVar aggregate classification (germline): Likely benign (1 of 4 stars; one submission).

Allele frequency attached by ClinVar (database versions not stated): ExAC 0.00001; gnomAD 0.00001; gnomAD exomes 0.00001; TOPMed 0.00001; 1000 Genomes Project 30x 0.00016; 1000 Genomes Project 0.00020.
gnomAD v4.1: 16 of 1,609,502 alleles (0.00099%); highest among the groups gnomAD compares: Middle Eastern, 0.017%; no homozygotes.

Submission:

CeGaT Center for Human Genetics Tuebingen
Classification: Likely benign. Last evaluated: 2022-10-01. Review status: criteria provided, single submitter. Criteria: CeGaT Center For Human Genetics Tuebingen Variant Classification Criteria Version 2. Collection method: clinical testing. Allele origin: germline. Affected: yes. Observed: 1 variant allele.
Comment: ADAT3: BP4, BP7

NM_138422.4(ADAT3):c.867C>T (p.Asp289=)

Genes: ADAT3 (adenosine deaminase tRNA specific 3; plus strand), SCAMP4 (secretory carrier membrane protein 4; plus strand). Cytogenetic location: 19p13.3.
Variant type: single nucleotide variant.
Coding change: c.867C>T on transcript NM_138422.4 (MANE Select); coding-DNA position 867, C replaced by T.
Protein change: p.Asp289=; no amino-acid change (aspartic acid 289 retained).
Molecular consequence: synonymous variant. On other transcripts: intron variant (3).
Genome position (GRCh38, 1-based): chr19:1,912,914, C>T. VCF-style: chr19-1912914-C-T. GRCh37 (hg19) VCF-style: chr19-1912913-C-T.
Other names: c.819C>T, p.Asp273= (NM_001329533.2); c.-41-2065C>T (NM_079834.4, NM_001329540.2); c.-125-4780C>T (NM_001329539.2).
Identifiers: ClinVar variation 2648950 (VCV002648950.24), dbSNP rs188235892, ClinGen allele CA9054637.
Genomic context (GRCh38, chr19:1,912,914, plus strand): 5'-GGCCGCTGCCCCCCAGGCCGTCCGCGCAGGCGCCGTGCGTAAACTGGACGCAGACGAGGA[C>T]GGCCTCCCCTACCTGTGCACTGGCTACGACCTGTACGTGACCCGCGAGCCCTGCGCCATG-3'
Protein context (NP_612431.2, residues 279-299): GAVRKLDADE[Asp289=]GLPYLCTGYD